The following is an entry in ClinVar:

NM_080605.4(B3GALT6):c.448G>C (p.Glu150Gln)

Gene: B3GALT6 (beta-1,3-galactosyltransferase 6; plus strand). Cytogenetic location: 1p36.33.
Variant type: single nucleotide variant.
Coding change: c.448G>C on transcript NM_080605.4 (MANE Select); coding-DNA position 448, G replaced by C.
Protein change: p.Glu150Gln; replaces glutamic acid 150 with glutamine.
Molecular consequence: missense variant.
Genome position (GRCh38, 1-based): chr1:1,232,726, G>C. VCF-style: chr1-1232726-G-C. GRCh37 (hg19) VCF-style: chr1-1168106-G-C.
Other names: short protein forms E150Q.
Identifiers: ClinVar variation 1501564 (VCV001501564.8), dbSNP rs1557526286, ClinGen allele CA337825625.

ClinVar aggregate classification (germline): Uncertain significance (1 of 4 stars; one submission).

Conditions:
Ehlers-Danlos syndrome, spondylodysplastic type, 2 (EDSSPD2). Also called: Ehlers-Danlos syndrome, progeroid type, 2. Identifiers: Orphanet 536467, Orphanet 75496, MedGen C3809210, MONDO:0014139, OMIM 615349.
Spondyloepimetaphyseal dysplasia with joint laxity (SEMDJL). Identifiers: MedGen C0432243, MONDO:0019675.

Submission:

Labcorp Genetics (formerly Invitae), Labcorp
Classification: Uncertain significance for Ehlers-Danlos syndrome, spondylodysplastic type, 2; Spondyloepimetaphyseal dysplasia with joint laxity. Last evaluated: 2022-07-19. Review status: criteria provided, single submitter. Criteria: Invitae Variant Classification Sherloc (09022015). Collection method: clinical testing. Allele origin: germline.
Comment: In summary, the available evidence is currently insufficient to determine the role of this variant in disease. Therefore, it has been classified as a Variant of Uncertain Significance. Algorithms developed to predict the effect of missense changes on protein structure and function (SIFT, PolyPhen-2, Align-GVGD) all suggest that this variant is likely to be tolerated. ClinVar contains an entry for this variant (Variation ID: 1501564). This variant has not been reported in the literature in individuals affected with B3GALT6-related conditions. This variant is not present in population databases (gnomAD no frequency). This sequence change replaces glutamic acid, which is acidic and polar, with glutamine, which is neutral and polar, at codon 150 of the B3GALT6 protein (p.Glu150Gln).